The following is an entry in ClinVar:

NM_004006.3(DMD):c.10724G>A (p.Arg3575Lys)

Gene: DMD (dystrophin; minus strand). Cytogenetic location: Xp21.2.
Variant type: single nucleotide variant.
Coding change: c.10724G>A on transcript NM_004006.3 (MANE Select); coding-DNA position 10724, G replaced by A.
Protein change: p.Arg3575Lys; replaces arginine 3575 with lysine.
Molecular consequence: missense variant.
Genome position (GRCh38, 1-based): chrX:31,147,348, C>T on the plus strand (G>A on the coding strand, the complement: DMD is on the minus strand). VCF-style: chrX-31147348-C-T. GRCh37 (hg19) VCF-style: chrX-31165465-C-T.
Other names: c.10700G>A, p.Arg3567Lys (NM_000109.4); c.10712G>A, p.Arg3571Lys (NM_004009.3); c.10355G>A, p.Arg3452Lys (NM_004010.3); c.6701G>A, p.Arg2234Lys (NM_004011.4); c.6692G>A, p.Arg2231Lys (NM_004012.4); c.3344G>A, p.Arg1115Lys (NM_004013.3, NM_004021.3); c.2537G>A, p.Arg846Lys (NM_004014.3); c.1520G>A, p.Arg507Lys (NM_004015.3, NM_004016.3); and 3 more; short protein forms R1102K, R2231K, R846K, R1005K, R2234K, R3575K, R494K, R507K.
Identifiers: ClinVar variation 3675752 (VCV003675752.2).

ClinVar aggregate classification (germline): Uncertain significance (1 of 4 stars; one submission).

Conditions:
Duchenne muscular dystrophy (DMD). Also called: MUSCULAR DYSTROPHY, PSEUDOHYPERTROPHIC PROGRESSIVE, DUCHENNE TYPE; Duchenne Muscular Dystrophy (DMD). Identifiers: Orphanet 98896, MedGen C0013264, MONDO:0010679, OMIM 310200.

Submission:

Labcorp Genetics (formerly Invitae), Labcorp
Classification: Uncertain significance for Duchenne muscular dystrophy. Last evaluated: 2025-01-29. Review status: criteria provided, single submitter. Criteria: Invitae Variant Classification Sherloc (09022015). Collection method: clinical testing. Allele origin: germline.
Comment: This sequence change replaces arginine, which is basic and polar, with lysine, which is basic and polar, at codon 3575 of the DMD protein (p.Arg3575Lys). This variant is not present in population databases (gnomAD no frequency). This variant has not been reported in the literature in individuals affected with DMD-related conditions. Invitae Evidence Modeling of protein sequence and biophysical properties (such as structural, functional, and spatial information, amino acid conservation, physicochemical variation, residue mobility, and thermodynamic stability) indicates that this missense variant is not expected to disrupt DMD protein function with a negative predictive value of 95%. In summary, the available evidence is currently insufficient to determine the role of this variant in disease. Therefore, it has been classified as a Variant of Uncertain Significance.